The following is an entry in ClinVar:

ClinVar aggregate classification (germline): Uncertain significance. Review status: criteria provided, multiple submitters, no conflicts (2 of 4 stars). 7 submissions from 7 submitters: Uncertain significance (7). Last evaluated 2026-09-11.

Conditions:
Brittle cornea syndrome 1 (BCS1). Also called: Corneal fragility keratoglobus, blue sclerae AND joint hypermobility; DYSGENESIS MESODERMALIS CORNEAE ET SCLERAE; CORNEAL FRAGILITY, KERATOGLOBUS, BLUE SCLERAE, JOINT HYPEREXTENSIBILITY; EDS6B; FRAGILITAS OCULI WITH JOINT HYPEREXTENSIBILITY. Identifiers: Orphanet 90354, MedGen C0268344, MONDO:0024543, OMIM 229200.
ZNF469-related disorder. Also called: ZNF469-related condition.
Cardiovascular phenotype. Identifiers: MedGen CN230736.

Allele frequency attached by ClinVar (database versions not stated): gnomAD exomes 0.00006; TOPMed 0.00009; gnomAD 0.00011 and 0.00012; 1000 Genomes Project 0.00020; 1000 Genomes Project 30x 0.00031.
gnomAD v4.1: 111 of 1,541,940 alleles (0.0072%); highest among the groups gnomAD compares: Middle Eastern, 0.05%; no homozygotes.

Submissions (7):

PreventionGenetics, part of Exact Sciences
Classification: Uncertain significance for ZNF469-related condition. Last evaluated: 2026-09-11. Review status: criteria provided, single submitter. Criteria: ACMG Guidelines, 2015. Collection method: clinical testing. Allele origin: germline.
Comment: The ZNF469 c.10270G>A variant is predicted to result in the amino acid substitution p.Gly3424Ser. This amino acid alteration has been reported in an individual with keratoconus (Yildiz et al. 2017. PubMed ID: 28622062). This variant is reported in 0.012% of alleles in individuals of European (Non-Finnish) descent in gnomAD and is interpreted as uncertain (Variation ID: 1679282). At this time, the clinical significance of this variant is uncertain due to the absence of conclusive functional and genetic evidence.

Women's Health and Genetics/Laboratory Corporation of America, LabCorp
Classification: Uncertain significance. Last evaluated: 2025-10-27. Review status: criteria provided, single submitter. Criteria: LabCorp Variant Classification Summary - May 2015. Collection method: clinical testing. Allele origin: germline.
Comment: Variant summary: ZNF469 c.10354G>A (p.Gly3452Ser) results in a non-conservative amino acid change in the encoded protein sequence. Algorithms developed to predict the effect of missense changes on protein structure and function are either unavailable or do not agree on the potential impact of this missense change. The variant allele was found at a frequency of 6.3e-05 in 142008 control chromosomes, predominantly at a frequency of 0.00012 within the Non-Finnish European subpopulation in the gnomAD database. The available data on variant occurrences in the general population are insufficient to allow any conclusion about variant significance. c.10354G>A has been observed in individual(s) affected with advanced Keratoconus without strong evidence for causality (Yildiz_2017). These report(s) do not provide unequivocal conclusions about association of the variant with Brittle cornea syndrome 1. To our knowledge, no experimental evidence demonstrating an impact on protein function has been reported. The following publication has been ascertained in the context of this evaluation (PMID: 28622062). ClinVar contains an entry for this variant (Variation ID: 1679282). Based on the evidence outlined above, the variant was classified as uncertain significance.

Ambry Genetics
Classification: Uncertain significance for Cardiovascular phenotype. Last evaluated: 2024-12-09. Review status: criteria provided, single submitter. Criteria: Ambry Variant Classification Scheme 2023. Collection method: clinical testing. Allele origin: germline.
Comment: The p.G3424S variant (also known as c.10270G>A), located in coding exon 2 of the ZNF469 gene, results from a G to A substitution at nucleotide position 10270. The glycine at codon 3424 is replaced by serine, an amino acid with similar properties. This amino acid position is not well conserved in available vertebrate species, and serine is the reference amino acid in other vertebrate species. In addition, this alteration is predicted to be tolerated by in silico analysis. Since supporting evidence is limited at this time, the clinical significance of this alteration remains unclear.

Blueprint Genetics
Classification: Uncertain significance. Last evaluated: 2024-11-26. Review status: criteria provided, single submitter. Criteria: ACMG Guidelines, 2015. Collection method: clinical testing. Allele origin: germline.

CeGaT Center for Human Genetics Tuebingen
Classification: Uncertain significance. Last evaluated: 2023-11-01. Review status: criteria provided, single submitter. Criteria: CeGaT Center For Human Genetics Tuebingen Variant Classification Criteria Version 2. Collection method: clinical testing. Allele origin: germline. Affected: yes. Observed: 2 variant alleles.
Comment: ZNF469: PM2, BP4

Labcorp Genetics (formerly Invitae), Labcorp
Classification: Uncertain significance. Last evaluated: 2022-10-26. Review status: criteria provided, single submitter. Criteria: Invitae Variant Classification Sherloc (09022015). Collection method: clinical testing. Allele origin: germline.
Comment: This sequence change replaces glycine, which is neutral and non-polar, with serine, which is neutral and polar, at codon 3424 of the ZNF469 protein (p.Gly3424Ser). This variant is present in population databases (rs548646578, gnomAD 0.01%). This missense change has been observed in individual(s) with clinical features of ZNF469-related conditions (PMID: 28622062). ClinVar contains an entry for this variant (Variation ID: 1679282). Algorithms developed to predict the effect of missense changes on protein structure and function output the following: SIFT: "Deleterious"; PolyPhen-2: "Benign"; Align-GVGD: "Class C0". The serine amino acid residue is found in multiple mammalian species, which suggests that this missense change does not adversely affect protein function. In summary, the available evidence is currently insufficient to determine the role of this variant in disease. Therefore, it has been classified as a Variant of Uncertain Significance.

Department of Clinical Genetics, Copenhagen University Hospital, Rigshospitalet
Classification: Uncertain significance for Brittle cornea syndrome 1. Last evaluated: 2021-08-01. Review status: criteria provided, single submitter. Criteria: ACMG Guidelines, 2015. Collection method: clinical testing. Allele origin: inherited. Affected: yes.

Literature cited by the submitters: PubMed 28622062 (cited by Women's Health and Genetics/Laboratory Corporation of America, LabCorp and Labcorp Genetics (formerly Invitae), Labcorp).

NM_001367624.2(ZNF469):c.10354G>A (p.Gly3452Ser)

Gene: ZNF469 (zinc finger protein 469; plus strand). Cytogenetic location: 16q24.2.
Variant type: single nucleotide variant.
Coding change: c.10354G>A on transcript NM_001367624.2 (MANE Select); coding-DNA position 10354, G replaced by A.
Protein change: p.Gly3452Ser; replaces glycine 3452 with serine.
Molecular consequence: missense variant.
Genome position (GRCh38, 1-based): chr16:88,437,824, G>A. VCF-style: chr16-88437824-G-A. GRCh37 (hg19) VCF-style: chr16-88504232-G-A.
Other names: NM_001127464.2:c.10270G>A; NM_001127464.1:c.10270G>A; short protein forms G3452S.
Identifiers: ClinVar variation 1679282 (VCV001679282.35), dbSNP rs548646578, ClinGen allele CA286386645.